The following is an entry in ClinVar:

NM_000257.4(MYH7):c.2163G>T (p.Arg721Ser)

Gene: MYH7 (myosin heavy chain 7; minus strand). Cytogenetic location: 14q11.2.
Variant type: single nucleotide variant.
Coding change: c.2163G>T on transcript NM_000257.4 (MANE Select); coding-DNA position 2163, G replaced by T.
Protein change: p.Arg721Ser; replaces arginine 721 with serine.
Molecular consequence: missense variant.
Genome position (GRCh38, 1-based): chr14:23,425,818, C>A on the plus strand (G>T on the coding strand, the complement: MYH7 is on the minus strand). VCF-style: chr14-23425818-C-A. GRCh37 (hg19) VCF-style: chr14-23895027-C-A.
Other names: p.R721S:AGG>AGT; c.2163G>T (LRG_384t1); short protein forms R721S.
Identifiers: ClinVar variation 181175 (VCV000181175.8), dbSNP rs730880734, ClinGen allele CA011834.
Genomic context (GRCh38, chr14:23,425,818, plus strand): 5'-CCCCTTCCTGCTATCAATGAACTGTCCCTCAGGGATGGCCGCTGGGTTCAGGATGCGATA[C>A]CTGAGGAGGGAAGTGTCCAGAGTCACCCATGCTCTGCAGTGATCTGCTCTGCCCATAGAA-3'
Protein context (NP_000248.2, residues 711-731): NRILYGDFRQ[Arg721Ser]YRILNPAAIP

ClinVar aggregate classification (germline): Conflicting classifications of pathogenicity. Review status: criteria provided, conflicting classifications (1 of 4 stars). 3 submissions from 3 submitters: Pathogenic (1); Likely pathogenic (1); Uncertain significance (1). Last evaluated 2022-04-29.

Conditions:
MYH7-related disorder. Also called: MYH7-related condition; MYH7-related disease; MYH7-related disorders.
Hypertrophic cardiomyopathy. Also called: HYPERTROPHIC MYOCARDIOPATHY. Identifiers: Orphanet 217569, MedGen C0007194, MeSH D002312, MONDO:0005045, HP:0001639.

Submissions (3):

Labcorp Genetics (formerly Invitae), Labcorp
Classification: Uncertain significance for Hypertrophic cardiomyopathy. Last evaluated: 2022-04-29. Review status: criteria provided, single submitter. Criteria: Invitae Variant Classification Sherloc (09022015). Collection method: clinical testing. Allele origin: germline.
Comment: In summary, the available evidence is currently insufficient to determine the role of this variant in disease. Therefore, it has been classified as a Variant of Uncertain Significance. This variant is found within a region of MYH7 between codons 181 and 937 that contains the majority of the myosin head domain. Missense variants in this region have been shown to be significantly overrepresented in individuals with hypertrophic cardiomyopathy (PMID: 27532257). Algorithms developed to predict the effect of missense changes on protein structure and function (SIFT, PolyPhen-2, Align-GVGD) all suggest that this variant is likely to be disruptive. ClinVar contains an entry for this variant (Variation ID: 181175). This missense change has been observed in individual(s) with clinical features of hypertrophic cardiomyopathy (PMID: 33673806). This variant is not present in population databases (gnomAD no frequency). This sequence change replaces arginine, which is basic and polar, with serine, which is neutral and polar, at codon 721 of the MYH7 protein (p.Arg721Ser).

Blueprint Genetics
Classification: Likely pathogenic for MYH7-related disorders. Last evaluated: 2018-06-29. Review status: criteria provided, single submitter. Criteria: ACMG Guidelines, 2015. Collection method: clinical testing. Allele origin: germline. Affected: yes. Observed: 1 variant allele.

GeneDx
Classification: Pathogenic. Last evaluated: 2012-09-20. Review status: criteria provided, single submitter. Criteria: GeneDx Variant Classification (06012015). Collection method: clinical testing. Allele origin: germline. Affected: yes.
Comment: p.Arg721Ser (AGG>AGT):c.2163 G>T in exon 20 of the MYH7 gene (NM_000257.2). The Arg721Ser mutation in the MYH7 gene has not been reported as a disease-causing mutation or as a benign polymorphism to our knowledge. However, a mutation affecting this same codon, Arg721Lys, has been reported in association with cardiomyopathy. In addition, multiple mutations in nearby residues (Arg719Gln, Arg719Pro, Arg719Trp, Arg723Cys, Arg723Gly, Arg723His) have been reported in association with cardiomyopathy, further supporting the functional importance of this codon and this region of the protein. Arg721Ser results in a non-conservative amino acid substitution of positively charged Arginine with a neutral, polar Serine at a position that is conserved across species. Furthermore, the NHLBI ESP Exome Variant Server reports Arg721Ser was not observed in approximately 6,000 samples from individuals of European and African American backgrounds, indicating it is not a common benign variant in these populations.In summary, Arg721Ser in the MYH7 gene is interpreted as a disease-causing mutation. The variant is found in HCM panel(s).

Literature cited by the submitters: PubMed 27532257 (cited by Labcorp Genetics (formerly Invitae), Labcorp); PubMed 33673806 (cited by Labcorp Genetics (formerly Invitae), Labcorp).